The following is an entry in ClinVar:

ClinVar aggregate classification (germline): Uncertain significance (1 of 4 stars; one submission).

Submission:

GeneDx
Classification: Uncertain significance. Last evaluated: 2024-09-06. Review status: criteria provided, single submitter. Criteria: GeneDx Variant Classification Process June 2021. Collection method: clinical testing. Allele origin: germline. Affected: yes.
Comment: Not observed at significant frequency in large population cohorts (gnomAD); In silico analysis indicates that this missense variant does not alter protein structure/function; Has not been previously published as pathogenic or benign to our knowledge

NM_003076.5(SMARCD1):c.220C>A (p.Pro74Thr)

Gene: SMARCD1 (SWI/SNF related BAF chromatin remodeling complex subunit D1; plus strand). Cytogenetic location: 12q13.12.
Variant type: single nucleotide variant.
Coding change: c.220C>A on transcript NM_003076.5 (MANE Select); coding-DNA position 220, C replaced by A.
Protein change: p.Pro74Thr; replaces proline 74 with threonine.
Molecular consequence: missense variant.
Genome position (GRCh38, 1-based): chr12:50,086,203, C>A. VCF-style: chr12-50086203-C-A. GRCh37 (hg19) VCF-style: chr12-50479986-C-A.
Other names: c.220C>A, p.Pro74Thr (NM_139071.3); short protein forms P74T.
Identifiers: ClinVar variation 3767412 (VCV003767412.1).
Genomic context (GRCh38, chr12:50,086,203, plus strand): 5'-GTCCTCTCCCCTCTGTAGAGACCAGGTATGTTGCCAGGCAGCCGAATGACACCTCAGGGA[C>A]CTTCCATGGGACCCCCTGGCTATGGGGGGAACCCTTCAGTCCGACCTGGCCTGGCCCAGT-3'
Protein context (NP_003067.3, residues 64-84): LPGSRMTPQG[Pro74Thr]SMGPPGYGGN